The following is an entry in ClinVar:

NM_001370466.1(NOD2):c.2840C>T (p.Ser947Phe)

Gene: NOD2 (nucleotide binding oligomerization domain containing 2; plus strand). Cytogenetic location: 16q12.1.
Variant type: single nucleotide variant.
Coding change: c.2840C>T on transcript NM_001370466.1 (MANE Select); coding-DNA position 2840, C replaced by T.
Protein change: p.Ser947Phe; replaces serine 947 with phenylalanine.
Molecular consequence: missense variant. On other transcripts: non-coding transcript variant (1).
Genome position (GRCh38, 1-based): chr16:50,725,527, C>T. VCF-style: chr16-50725527-C-T. GRCh37 (hg19) VCF-style: chr16-50759438-C-T.
Other names: c.2840C>T, p.Ser947Phe (NM_001293557.2); c.2921C>T, p.Ser974Phe (NM_022162.3); short protein forms S974F, S947F.
Identifiers: ClinVar variation 531604 (VCV000531604.6), dbSNP rs200463498, ClinGen allele CA8052023.
Genomic context (GRCh38, chr16:50,725,527, plus strand): 5'-TTTTCTCTCTTCTTCTCACCAGCCTGGAGGAGAACCATCTCCAGGATGAAGGTGTATGTT[C>T]TCTCGCAGAAGGACTGAAGAAAAATTCAAGTTTGAAAATCCTGAAGTAAGGAACCCATAA-3'
Protein context (NP_001357395.1, residues 937-957): ENHLQDEGVC[Ser947Phe]LAEGLKKNSS

ClinVar aggregate classification (germline): Uncertain significance (1 of 4 stars; one submission).

Conditions:
Regional enteritis. Also called: Enteritis, Granulomatous. Identifiers: MedGen C0678202, MeSH D003424.
Blau syndrome (BLAUS). Also called: ARTHROCUTANEOUVEAL GRANULOMATOSIS; GRANULOMATOSIS, FAMILIAL JUVENILE SYSTEMIC; GRANULOMATOSIS, FAMILIAL, BLAU TYPE; GRANULOMATOUS INFLAMMATORY ARTHRITIS, DERMATITIS, AND UVEITIS, FAMILIAL; JABS SYNDROME. Identifiers: Orphanet 90340, MedGen C5201146, MONDO:0008523, OMIM 186580.

Allele frequency attached by ClinVar (database versions not stated): gnomAD exomes 0.00001 and 0.00002; ExAC 0.00003; TOPMed 0.00007; gnomAD 0.00011 and 0.00012; 1000 Genomes Project 0.00040; 1000 Genomes Project 30x 0.00062.
gnomAD v4.1: 28 of 1,614,098 alleles (0.0017%); highest among the groups gnomAD compares: African/African-American, 0.037%; no homozygotes.

Submission:

Labcorp Genetics (formerly Invitae), Labcorp
Classification: Uncertain significance for Regional enteritis; Blau syndrome. Last evaluated: 2024-12-27. Review status: criteria provided, single submitter. Criteria: Invitae Variant Classification Sherloc (09022015). Collection method: clinical testing. Allele origin: germline.
Comment: This sequence change replaces serine, which is neutral and polar, with phenylalanine, which is neutral and non-polar, at codon 974 of the NOD2 protein (p.Ser974Phe). This variant is present in population databases (rs200463498, gnomAD 0.03%). This variant has not been reported in the literature in individuals affected with NOD2-related conditions. ClinVar contains an entry for this variant (Variation ID: 531604). Invitae Evidence Modeling of protein sequence and biophysical properties (such as structural, functional, and spatial information, amino acid conservation, physicochemical variation, residue mobility, and thermodynamic stability) indicates that this missense variant is not expected to disrupt NOD2 protein function with a negative predictive value of 95%. In summary, the available evidence is currently insufficient to determine the role of this variant in disease. Therefore, it has been classified as a Variant of Uncertain Significance.